The following is an entry in ClinVar:

NM_005245.4(FAT1):c.10936C>T (p.Arg3646Cys)

Genes: FAT1 (FAT atypical cadherin 1; minus strand), LOC126807254 (BRD4-independent group 4 enhancer GRCh37_chr4:187524269-187525468; plus strand). Cytogenetic location: 4q35.2.
Variant type: single nucleotide variant.
Coding change: c.10936C>T on transcript NM_005245.4 (MANE Select); coding-DNA position 10936, C replaced by T.
Protein change: p.Arg3646Cys; replaces arginine 3646 with cysteine.
Molecular consequence: missense variant.
Genome position (GRCh38, 1-based): chr4:186,603,590, G>A on the plus strand (C>T on the coding strand, the complement: FAT1 is on the minus strand). VCF-style: chr4-186603590-G-A. GRCh37 (hg19) VCF-style: chr4-187524744-G-A.
Other names: c.10936C>T (NM_005245.3); short protein forms R3646C.
Identifiers: ClinVar variation 1529492 (VCV001529492.10), dbSNP rs375882967, ClinGen allele CA3165219.
Genomic context (GRCh38, chr4:186,603,590, plus strand): 5'-CTCGCTGGAAGTTGCGCCAGTAGTCACCAACGAATTCTTCCGGAGTGAGGTTGGCAAAGC[G>A]GATCGCGATGGTGTGGTTCAACATCTCCTGTGTGACTTGTCTGATATGCACTGTGATGTC-3'
Protein context (NP_005236.2, residues 3636-3656): QEMLNHTIAI[Arg3646Cys]FANLTPEEFV

ClinVar aggregate classification (germline): Likely benign. Review status: criteria provided, single submitter (1 of 4 stars). 2 submissions from 2 submitters: Likely benign (1). 1 of the submissions does not count toward it. Last evaluated 2025-07-14.

Conditions:
FAT1-related disorder. Also called: FAT1-related condition.

Allele frequency attached by ClinVar (database versions not stated): gnomAD 0.00005 and 0.00019; ESP Exome Variant Server 0.00008; TOPMed 0.00008; gnomAD exomes 0.00025 and 0.00049; ExAC 0.00046; 1000 Genomes Project 0.00160; 1000 Genomes Project 30x 0.00172.
gnomAD v4.1: 391 of 1,613,926 alleles (0.024%); highest among the groups gnomAD compares: South Asian, 0.37%; 6 homozygotes.

Submissions (2):

Labcorp Genetics (formerly Invitae), Labcorp
Classification: Likely benign. Last evaluated: 2025-07-14. Review status: criteria provided, single submitter. Criteria: Invitae Variant Classification Sherloc (09022015). Collection method: clinical testing. Allele origin: germline.

PreventionGenetics, part of Exact Sciences
Classification: Likely benign for FAT1-related condition. Last evaluated: 2021-10-19. Review status: no assertion criteria provided. Collection method: clinical testing. Allele origin: germline. Not counted in ClinVar's aggregate classification.
Comment: This variant is classified as likely benign based on ACMG/AMP sequence variant interpretation guidelines (Richards et al. 2015 PMID: 25741868, with internal and published modifications).